The following is an entry in ClinVar:

ClinVar aggregate classification (germline): Uncertain significance (0 of 4 stars; one submission).

Conditions:
CDC42BPB-related disorder.

Submission:

PreventionGenetics, part of Exact Sciences
Classification: Uncertain significance for CDC42BPB-related condition. Last evaluated: 2024-09-06. Review status: no assertion criteria provided. Collection method: clinical testing. Allele origin: germline.
Comment: The CDC42BPB c.4633A>C variant is predicted to result in the amino acid substitution p.Lys1545Gln. To our knowledge, this variant has not been reported in the literature or in a large population database, indicating this variant is rare. At this time, the clinical significance of this variant is uncertain due to the absence of conclusive functional and genetic evidence.

NM_006035.4(CDC42BPB):c.4633A>C (p.Lys1545Gln)

Gene: CDC42BPB (CDC42 binding protein kinase beta; minus strand). Cytogenetic location: 14q32.32.
Variant type: single nucleotide variant.
Coding change: c.4633A>C on transcript NM_006035.4 (MANE Select); coding-DNA position 4633, A replaced by C.
Protein change: p.Lys1545Gln; replaces lysine 1545 with glutamine.
Molecular consequence: missense variant.
Genome position (GRCh38, 1-based): chr14:102,939,906, T>G on the plus strand (A>C on the coding strand, the complement: CDC42BPB is on the minus strand). VCF-style: chr14-102939906-T-G. GRCh37 (hg19) VCF-style: chr14-103406243-T-G.
Other names: c.4555A>C, p.Lys1519Gln (NM_001411054.1); short protein forms K1519Q, K1545Q.
Identifiers: ClinVar variation 3347373 (VCV003347373.1).